The following is an entry in ClinVar:

NM_001105206.3(LAMA4):c.3119T>G (p.Leu1040Arg)

Gene: LAMA4 (laminin subunit alpha 4; minus strand). Cytogenetic location: 6q21.
Variant type: single nucleotide variant.
Coding change: c.3119T>G on transcript NM_001105206.3 (MANE Select); coding-DNA position 3119, T replaced by G.
Protein change: p.Leu1040Arg; replaces leucine 1040 with arginine.
Molecular consequence: missense variant.
Genome position (GRCh38, 1-based): chr6:112,139,283, A>C on the plus strand (T>G on the coding strand, the complement: LAMA4 is on the minus strand). VCF-style: chr6-112139283-A-C. GRCh37 (hg19) VCF-style: chr6-112460485-A-C.
Other names: c.3098T>G (NM_002290.3); c.3098T>G, p.Leu1033Arg (NM_001105207.3, NM_002290.5); short protein forms L1033R, L1040R.
Identifiers: ClinVar variation 1510339 (VCV001510339.7), dbSNP rs533014868, ClinGen allele CA3965299.
Genomic context (GRCh38, chr6:112,139,283, plus strand): 5'-ACCACGGCATAACCGGAGCCATCGAAGAAGTAACTGGCAGCCCGACTCTGAGTGAAGGCC[A>C]GCTTATCTCTGAAATGGAAACACAACGGTCATTTGAACACTACAGTTTCTGTTATGCTTT-3'
Protein context (NP_001098676.2, residues 1030-1050): STSVPCARDK[Leu1040Arg]AFTQSRAASY

ClinVar aggregate classification (germline): Uncertain significance. Review status: criteria provided, multiple submitters, no conflicts (2 of 4 stars). 2 submissions from 2 submitters: Uncertain significance (2). Last evaluated 2026-07-09.

Conditions:
Cardiovascular phenotype. Identifiers: MedGen CN230736.
Dilated cardiomyopathy 1JJ (CMD1JJ). Identifiers: Orphanet 154, MedGen C3808935, MONDO:0014095, OMIM 615235.

Allele frequency attached by ClinVar (database versions not stated): 1000 Genomes Project 0.00020; gnomAD 0.00003; ExAC 0.00006; 1000 Genomes Project 30x 0.00016.
gnomAD v4.1: 51 of 1,614,198 alleles (0.0032%); highest among the groups gnomAD compares: South Asian, 0.056%; no homozygotes.

Submissions (2):

Ambry Genetics
Classification: Uncertain significance for Cardiovascular phenotype. Last evaluated: 2026-07-09. Review status: criteria provided, single submitter. Criteria: Ambry Variant Classification Scheme 2023. Collection method: clinical testing. Allele origin: germline.
Comment: The p.L1033R variant (also known as c.3098T>G), located in coding exon 23 of the LAMA4 gene, results from a T to G substitution at nucleotide position 3098. The leucine at codon 1033 is replaced by arginine, an amino acid with dissimilar properties. This amino acid position is conserved. In addition, the in silico prediction for this alteration is inconclusive. Based on the available evidence, the clinical significance of this variant remains unclear.

Labcorp Genetics (formerly Invitae), Labcorp
Classification: Uncertain significance for Dilated cardiomyopathy 1JJ. Last evaluated: 2022-03-19. Review status: criteria provided, single submitter. Criteria: Invitae Variant Classification Sherloc (09022015). Collection method: clinical testing. Allele origin: germline.
Comment: This sequence change replaces leucine, which is neutral and non-polar, with arginine, which is basic and polar, at codon 1033 of the LAMA4 protein (p.Leu1033Arg). This variant is present in population databases (rs533014868, gnomAD 0.05%), and has an allele count higher than expected for a pathogenic variant. This variant has not been reported in the literature in individuals affected with LAMA4-related conditions. Algorithms developed to predict the effect of missense changes on protein structure and function (SIFT, PolyPhen-2, Align-GVGD) all suggest that this variant is likely to be disruptive. In summary, the available evidence is currently insufficient to determine the role of this variant in disease. Therefore, it has been classified as a Variant of Uncertain Significance.